The following is an entry in ClinVar:

NM_020435.4(GJC2):c.108C>T (p.Ile36=)

Gene: GJC2 (gap junction protein gamma 2; plus strand). Cytogenetic location: 1q42.13.
Variant type: single nucleotide variant.
Coding change: c.108C>T on transcript NM_020435.4 (MANE Select); coding-DNA position 108, C replaced by T.
Protein change: p.Ile36=; no amino-acid change (isoleucine 36 retained).
Molecular consequence: synonymous variant.
Genome position (GRCh38, 1-based): chr1:228,157,866, C>T. VCF-style: chr1-228157866-C-T. GRCh37 (hg19) VCF-style: chr1-228345567-C-T.
Other names: p.Ile36=.
Identifiers: ClinVar variation 235758 (VCV000235758.28), dbSNP rs75469429, ClinGen allele CA1430801.

ClinVar aggregate classification (germline): Benign/Likely benign. Review status: criteria provided, multiple submitters, no conflicts (2 of 4 stars). 7 submissions from 7 submitters: Benign (4); Likely benign (3). Last evaluated 2026-01-27.

Conditions:
Spastic paraplegia. Identifiers: MedGen C0037772, HP:0001258.
Lymphatic malformation 3 (LMPHM3). Identifiers: Orphanet 79452, MedGen C4747646, MONDO:0013278, OMIM 613480.
Hereditary spastic paraplegia 44. Also called: SPASTIC PARAPLEGIA 44, AUTOSOMAL RECESSIVE. Identifiers: Orphanet 320401, MedGen C2750784, MONDO:0013179, OMIM 613206.
Leukodystrophy, hypomyelinating, 2. Also called: PELIZAEUS-MERZBACHER-LIKE DISEASE, 1. Identifiers: Orphanet 280270, Orphanet 280282, MedGen C1837355, MONDO:0012125, OMIM 608804.
Hereditary spastic paraplegia. Also called: Familial spastic paraparesis. Identifiers: Orphanet 685, MedGen C0037773, MONDO:0019064. Disease mechanism: loss of function.

Allele frequency attached by ClinVar (database versions not stated): gnomAD exomes 0.00110 and 0.00293; ExAC 0.00441; gnomAD 0.01120 and 0.01203; ESP Exome Variant Server 0.01162; TOPMed 0.01240; 1000 Genomes Project 30x 0.01296; 1000 Genomes Project 0.01298.

Submissions (7):

Labcorp Genetics (formerly Invitae), Labcorp
Classification: Benign for Spastic paraplegia. Last evaluated: 2026-01-27. Review status: criteria provided, single submitter. Criteria: Invitae Variant Classification Sherloc (09022015). Collection method: clinical testing. Allele origin: germline.

Mayo Clinic Laboratories, Mayo Clinic
Classification: Benign. Last evaluated: 2024-04-03. Review status: criteria provided, single submitter. Criteria: ACMG Guidelines, 2015. Collection method: clinical testing. Allele origin: germline. Observed: 5 variant alleles.
Comment: BS1, BS2

ARUP Laboratories, Molecular Genetics and Genomics, ARUP Laboratories
Classification: Benign. Last evaluated: 2023-11-22. Review status: criteria provided, single submitter. Criteria: ARUP Molecular Germline Variant Investigation Process 2024. Collection method: clinical testing. Allele origin: germline.

Fulgent Genetics
Classification: Likely benign for Leukodystrophy, hypomyelinating, 2; Hereditary spastic paraplegia 44; Lymphatic malformation 3. Last evaluated: 2021-09-27. Review status: criteria provided, single submitter. Criteria: ACMG Guidelines, 2015. Collection method: clinical testing. Allele origin: unknown.

Genome Diagnostics Laboratory, The Hospital for Sick Children
Classification: Likely benign for Hereditary spastic paraplegia. Last evaluated: 2020-02-01. Review status: criteria provided, single submitter. Criteria: ACMG Guidelines, 2015. Collection method: clinical testing. Allele origin: germline. Affected: yes.

GeneDx
Classification: Benign. Last evaluated: 2017-09-28. Review status: criteria provided, single submitter. Criteria: GeneDx Variant Classification (06012015). Collection method: clinical testing. Allele origin: germline. Affected: yes.
Comment: This variant is considered likely benign or benign based on one or more of the following criteria: it is a conservative change, it occurs at a poorly conserved position in the protein, it is predicted to be benign by multiple in silico algorithms, and/or has population frequency not consistent with disease.

Center for Pediatric Genomic Medicine, Children's Mercy Hospital and Clinics
Classification: Likely benign. Last evaluated: 2015-05-21. Review status: criteria provided, single submitter. Criteria: ACMG Guidelines, 2015. Collection method: clinical testing. Allele origin: germline.
ClinVar note: Converted during submission from Likely Benign to Likely benign.